The following is an entry in ClinVar:

ClinVar aggregate classification (germline): Pathogenic/Likely pathogenic. Review status: criteria provided, multiple submitters, no conflicts (2 of 4 stars). 9 submissions from 9 submitters: Pathogenic (7); Likely pathogenic (1). 1 of the submissions does not count toward it. Last evaluated 2026-02-02.

Conditions:
LAMA2-related muscular dystrophy (LAMA2-RD). Also called: Laminin alpha 2-related dystrophy. Identifiers: MedGen C5679788, MONDO:0100228.
Muscular dystrophy, limb-girdle, autosomal recessive 23. Identifiers: Orphanet 565837, MedGen C4748327, MONDO:0029136, OMIM 618138.
Merosin deficient congenital muscular dystrophy (MDC1A). Also called: Congenital merosin-deficient muscular dystrophy 1A; Congenital Muscular Dystrophy Type 1A (MDC1A). Identifiers: Orphanet 258, MedGen C1263858, MONDO:0011925, OMIM 607855.

Submissions (9):

Labcorp Genetics (formerly Invitae), Labcorp
Classification: Pathogenic for LAMA2-related muscular dystrophy. Last evaluated: 2026-02-02. Review status: criteria provided, single submitter. Criteria: Invitae Variant Classification Sherloc (09022015). Collection method: clinical testing. Allele origin: germline.
Comment: This sequence change creates a premature translational stop signal (p.Phe852Leufs*36) in the LAMA2 gene. It is expected to result in an absent or disrupted protein product. Loss-of-function variants in LAMA2 are known to be pathogenic (PMID: 18700894, 32904964). This variant is present in population databases (rs750731624, gnomAD 0.002%). This premature translational stop signal has been observed in individual(s) with congenital muscular dystrophy (CMD) (PMID: 20207543). ClinVar contains an entry for this variant (Variation ID: 477455). For these reasons, this variant has been classified as Pathogenic.

Victorian Clinical Genetics Services, Murdoch Childrens Research Institute
Classification: Pathogenic for Merosin deficient congenital muscular dystrophy. Last evaluated: 2024-10-09. Review status: criteria provided, single submitter. Criteria: ACMG Guidelines, 2015. Collection method: clinical testing. Allele origin: germline. Inheritance: Autosomal recessive inheritance. Affected: no.
Comment: Based on the classification scheme VCGS_Germline_v1.3.5, this variant is classified as Pathogenic. Following criteria are met: 0102 - Loss of function is a known mechanism of disease in this gene and is associated with congenital merosin deficient or partially deficient muscular dystrophy (MIM#607855) and autosomal recessive limb-girdle muscular dystrophy, 23 (MIM#618138). (I) 0106 - This gene is associated with autosomal recessive disease. (I) 0201 - Variant is predicted to cause nonsense-mediated decay (NMD) and loss of protein (premature termination codon is located at least 54 nucleotides upstream of the final exon-exon junction). (SP) 0251 - This variant is heterozygous. (I) 0304 - Variant is present in gnomAD (v4) <0.01 for a recessive condition (86 heterozygotes, 0 homozygote). (SP) 0701 - Other NMD-predicted variants comparable to the one identified in this case have very strong previous evidence for pathogenicity (ClinVar, DECIPHER). (SP) 0801 - This variant has very strong previous evidence of pathogenicity in unrelated individuals. This variant has been identified in >10 unrelated compound heterozygous individuals with congenital muscular dystrophies (ClinVar, LOVD, PMIDs: 28688748, 27159402, 20207543). (SP) Legend: (SP) - Supporting pathogenic, (I) - Information, (SB) - Supporting benign

Baylor Genetics
Classification: Pathogenic for Merosin deficient congenital muscular dystrophy. Last evaluated: 2023-08-16. Review status: criteria provided, single submitter. Criteria: ACMG Guidelines, 2015. Collection method: clinical testing. Allele origin: unknown.

Fulgent Genetics
Classification: Pathogenic for Merosin deficient congenital muscular dystrophy; Muscular dystrophy, limb-girdle, autosomal recessive 23. Last evaluated: 2022-02-04. Review status: criteria provided, single submitter. Criteria: ACMG Guidelines, 2015. Collection method: clinical testing. Allele origin: unknown.

Broad Center for Mendelian Genomics, Broad Institute of MIT and Harvard
Classification: Pathogenic for Merosin deficient congenital muscular dystrophy. Last evaluated: 2020-06-03. Review status: criteria provided, single submitter. Criteria: ACMG Guidelines, 2015. Collection method: curation. Allele origin: germline. Inheritance: Autosomal recessive inheritance.
Comment: The variant has been reported in 2 individuals of unknown ethnicity with congenital merosin-deficient muscular dystrophy (PMID: 20207543), and has been identified in 0.002% (2/113710) of European non-Finnish chromosomes by the Genome Aggregation Database (gnomAD; dbSNP ID: rs750731624). Although this variant has been seen in the general population, its frequency is low enough to be consistent with a recessive carrier frequency. This variant has also been reported in ClinVar (Variation ID: 477455) as pathogenic by Counsyl and Invitae, and as likely pathogenic by Knight Diagnostic Laboratories and Oregon Health and Sciences University. The presence of this variant in combination with reported likely pathogenic variants, and in 2 individuals with congenital merosin-deficient muscular dystrophy, increases the likelihood that the variant is pathogenic (Variation ID: 550992, 92954; PMID: 20207543). This variant is predicted to cause a frameshift, which alters the proteinâ€™s amino acid sequence beginning at position 852 and leads to a premature termination codon 36 amino acids downstream. This alteration is then predicted to lead to a truncated or absent protein. Loss of function of the LAMA2 gene is an established disease mechanism in autosomal recessive congenital merosin-deficient muscular dystrophy. In summary, this variant meets criteria to be classified as pathogenic for congenital merosin-deficient muscular dystrophy in an autosomal recessive manner based on the predicted impact of the variant, limited appearance in control populations, and the presence of this variant in combination with pathogenic and likely pathogenic variants. ACMG/AMP Criteria applied: PVS1, PM2, PM3_supporting (Richards 2015).

Revvity Omics, Revvity
Classification: Pathogenic. Last evaluated: 2020-02-12. Review status: criteria provided, single submitter. Criteria: ACMG Guidelines, 2015. Collection method: clinical testing. Allele origin: germline.

Mayo Clinic Laboratories, Mayo Clinic
Classification: Pathogenic. Last evaluated: 2019-11-03. Review status: criteria provided, single submitter. Criteria: ACMG Guidelines, 2015. Collection method: clinical testing. Allele origin: germline. Observed: 1 variant allele.
Comment: PVS1, PS4_moderate, PM2

Knight Diagnostic Laboratories, Oregon Health and Sciences University
Classification: Likely pathogenic for Merosin deficient congenital muscular dystrophy. Last evaluated: 2015-12-04. Review status: criteria provided, single submitter. Criteria: ACMG Guidelines, 2015. Collection method: clinical testing. Allele origin: germline. Affected: no. Study: CSER-NextGen.
Comment: The c.2553delT (p.Phe852Leufs*36) frameshift variant in the LAMA2 gene has been previously reported in two affected unrelated individuals with autosomal recessive merosin-deficient congenital muscular dystrophy and is predicted to cause premature protein termination in exon 19 (out of a total of 65 exons in the coding sequence). Both affected individuals harbored this frameshift variant in trans with either a second frameshift variant or a canonical splice site variant (Geranmayeh et al., 2010). Frameshift variants have been described in the LAMA2 gene in several affected individuals (Geranmayeh et al., 2010) and are, therefore, a common mechanism of disease. Therefore, this collective evidence supports the classification of the c.2553delT (p.Phe852Leufs*36) as a recessive Likely pathogenic variant for merosin-deficient congenital muscular dystrophy.

Counsyl
Classification: Pathogenic for Merosin deficient congenital muscular dystrophy. Last evaluated: 2017-06-14. Review status: no assertion criteria provided. Collection method: clinical testing. Allele origin: unknown. Not counted in ClinVar's aggregate classification.

Literature cited by the submitters: PubMed 18700894 (cited by Labcorp Genetics (formerly Invitae), Labcorp); PubMed 32904964 (cited by Labcorp Genetics (formerly Invitae), Labcorp); PubMed 20207543 (cited by 5 submitters); PubMed 27159402 (cited by Victorian Clinical Genetics Services, Murdoch Childrens Research Institute and Counsyl); PubMed 28688748 (cited by Victorian Clinical Genetics Services, Murdoch Childrens Research Institute and Mayo Clinic Laboratories, Mayo Clinic).

NM_000426.4(LAMA2):c.2556del (p.Phe852fs)

Gene: LAMA2 (laminin subunit alpha 2; plus strand). Cytogenetic location: 6q22.33.
Variant type: Deletion.
Coding change: c.2556del on transcript NM_000426.4 (MANE Select); coding-DNA position 2556, one base deleted (T; older notation c.2556delT).
Protein change: p.Phe852fs; shifts the reading frame from phenylalanine 852.
Molecular consequence: frameshift variant.
Genome position (GRCh38, 1-based): chr6:129,287,865, T deleted; the last of 4 consecutive T bases (chr6:129,287,862-129,287,865); deleting any one gives the same sequence. VCF-style (leftmost placement, unchanged base first): chr6-129287861-AT-A. GRCh37 (hg19) VCF-style: chr6-129609006-AT-A.
Other names: c.2556del (NM_001079823.2); c.2556del, p.Phe852fs (NM_001079823.2); c.2553delT (NM_000426.3); short protein forms F852fs.
Identifiers: ClinVar variation 477455 (VCV000477455.23), dbSNP rs750731624, ClinGen allele CA3993005.